The following is an entry in ClinVar:

ClinVar aggregate classification (germline): Conflicting classifications of pathogenicity. Review status: criteria provided, conflicting classifications (1 of 4 stars). 18 submissions from 17 submitters: Uncertain significance (1); Benign (6); Likely benign (6). 5 of the submissions do not count toward it. Last evaluated 2026-07-01.

Conditions:
SETX-related disorder. Also called: SETX-related disorders; SETX-related condition. Identifiers: MedGen CN239403.
Spinocerebellar ataxia, autosomal recessive, with axonal neuropathy 2 (SCAN2). Also called: Ataxia with Oculomotor Apraxia; Ataxia with Oculomotor Apraxia Type 2; ATAXIA-OCULOMOTOR APRAXIA 2; Ataxia-ocular apraxia-2. Identifiers: Orphanet 64753, MedGen C1853761, MONDO:0018996, OMIM 606002.
Amyotrophic lateral sclerosis type 4 (ALS4). Also called: AMYOTROPHIC LATERAL SCLEROSIS 4, JUVENILE; NEURONOPATHY, DISTAL HEREDITARY MOTOR, WITH PYRAMIDAL FEATURES. Identifiers: Orphanet 357043, MedGen C1865409, MONDO:0011223, OMIM 602433.
Hereditary spastic paraplegia. Also called: Familial spastic paraparesis. Identifiers: Orphanet 685, MedGen C0037773, MONDO:0019064. Disease mechanism: loss of function.
Amyotrophic lateral sclerosis (ALS). Also called: Lou Gehrig disease; Charcot disease. Identifiers: Orphanet 803, MedGen C0002736, MONDO:0004976, HP:0007354.

Allele frequency attached by ClinVar (database versions not stated): 1000 Genomes Project 0.00260; 1000 Genomes Project 30x 0.00297; ExAC 0.00342; gnomAD exomes 0.00391 and 0.00517; gnomAD 0.00423 and 0.00431; TOPMed 0.00532; ESP Exome Variant Server 0.00538.
gnomAD v4.1: 8,225 of 1,614,206 alleles (0.51%); highest among the groups gnomAD compares: Middle Eastern, 1%; 29 homozygotes.

Submissions (18):

CeGaT Center for Human Genetics Tuebingen
Classification: Likely benign. Last evaluated: 2026-07-01. Review status: criteria provided, single submitter. Criteria: CeGaT Center For Human Genetics Tuebingen Variant Classification Criteria Version 2. Collection method: clinical testing. Allele origin: germline. Affected: yes. Observed: 36 variant alleles.
Comment: SETX: BP4, BS2

Labcorp Genetics (formerly Invitae), Labcorp
Classification: Benign for Amyotrophic lateral sclerosis type 4; Spinocerebellar ataxia, autosomal recessive, with axonal neuropathy 2. Last evaluated: 2026-01-27. Review status: criteria provided, single submitter. Criteria: Invitae Variant Classification Sherloc (09022015). Collection method: clinical testing. Allele origin: germline.

Athena Diagnostics
Classification: Benign. Last evaluated: 2025-07-24. Review status: criteria provided, single submitter. Criteria: Athena Diagnostics Criteria. Collection method: clinical testing. Allele origin: unknown.
Comment: The frequency of this variant in the general population is higher than would generally be expected for pathogenic variants in this gene. Computational tools predict this amino acid change may be benign. This variant has been seen where an alternate explanation for disease was also identified.

ARUP Laboratories, Molecular Genetics and Genomics, ARUP Laboratories
Classification: Likely benign. Last evaluated: 2025-07-10. Review status: criteria provided, single submitter. Criteria: ARUP Molecular Germline Variant Investigation Process 2024. Collection method: clinical testing. Allele origin: germline.

PreventionGenetics, part of Exact Sciences
Classification: Benign for SETX-related condition. Last evaluated: 2025-03-17. Review status: criteria provided, single submitter. Criteria: ACMG Guidelines, 2015. Collection method: clinical testing. Allele origin: germline.
Comment: This variant is classified as benign based on ACMG/AMP sequence variant interpretation guidelines (Richards et al. 2015 PMID: 25741868, with internal and published modifications).

Blueprint Genetics
Classification: Likely benign. Last evaluated: 2024-11-27. Review status: criteria provided, single submitter. Criteria: ACMG Guidelines, 2015. Collection method: clinical testing. Allele origin: germline.

Mayo Clinic Laboratories, Mayo Clinic
Classification: Benign. Last evaluated: 2024-01-04. Review status: criteria provided, single submitter. Criteria: ACMG Guidelines, 2015. Collection method: clinical testing. Allele origin: germline. Observed: 17 variant alleles.
Comment: BS1, BS2, BP4

Genome Diagnostics Laboratory, The Hospital for Sick Children
Classification: Benign for Hereditary spastic paraplegia. Last evaluated: 2021-05-12. Review status: criteria provided, single submitter. Criteria: ACMG Guidelines, 2015. Collection method: clinical testing. Allele origin: germline. Affected: yes.

UM ALS/MND Lab, University Of Malta
Classification: Uncertain significance for Amyotrophic lateral sclerosis. Last evaluated: 2020-09-09. Review status: criteria provided, single submitter. Criteria: ACMG Guidelines, 2015. Collection method: case-control. Allele origin: unknown. Affected: yes. Observed: 1 variant allele.
Comment: Single heterozygote

GeneDx
Classification: Benign. Last evaluated: 2020-04-15. Review status: criteria provided, single submitter. Criteria: GeneDx Variant Classification Process June 2021. Collection method: clinical testing. Allele origin: germline. Affected: yes.
Comment: This variant is associated with the following publications: (PMID: 25802885, 23129421, 22088787, 29080331, 21438761, 21190393, 27884173, 23447461, 25382069, 28430856)

Illumina Laboratory Services, Illumina
Classification: Likely benign for Spinocerebellar ataxia, autosomal recessive, with axonal neuropathy 2. Last evaluated: 2017-04-27. Review status: criteria provided, single submitter. Criteria: ICSL Variant Classification Criteria 13 December 2019. Collection method: clinical testing. Allele origin: germline.
Comment: This variant was observed as part of a predisposition screen in an ostensibly healthy population. A literature search was performed for the gene, cDNA change, and amino acid change (where applicable). No publications were found based on this search. Allele frequency data from public databases allowed determination this variant is unlikely to cause disease. Therefore, this variant is classified as likely benign.

Illumina Laboratory Services, Illumina
Classification: Likely benign for Amyotrophic lateral sclerosis type 4. Last evaluated: 2017-04-27. Review status: criteria provided, single submitter. Criteria: ICSL Variant Classification Criteria 13 December 2019. Collection method: clinical testing. Allele origin: germline.
Comment: the same text as in the submission from Illumina Laboratory Services, Illumina above.

Center for Pediatric Genomic Medicine, Children's Mercy Hospital and Clinics
Classification: Likely benign. Last evaluated: 2016-11-08. Review status: criteria provided, single submitter. Criteria: ACMG Guidelines, 2015. Collection method: clinical testing. Allele origin: germline.
ClinVar note: Converted during submission from Likely Benign to Likely benign.

Clinical Genetics DNA and cytogenetics Diagnostics Lab, Erasmus MC, Erasmus Medical Center
Classification: Likely benign. Review status: no assertion criteria provided. Collection method: clinical testing. Allele origin: germline. Affected: yes. Study: VKGL Data-share Consensus. Not counted in ClinVar's aggregate classification.

Clinical Genetics, Academic Medical Center
Classification: Likely benign. Review status: no assertion criteria provided. Collection method: clinical testing. Allele origin: germline. Affected: yes. Study: VKGL Data-share Consensus. Not counted in ClinVar's aggregate classification.

Genome Diagnostics Laboratory, Amsterdam University Medical Center
Classification: Benign. Review status: no assertion criteria provided. Collection method: clinical testing. Allele origin: germline. Affected: yes. Study: VKGL Data-share Consensus. Not counted in ClinVar's aggregate classification.

Genome Diagnostics Laboratory, University Medical Center Utrecht
Classification: Likely benign. Review status: no assertion criteria provided. Collection method: clinical testing. Allele origin: germline. Affected: yes. Study: VKGL Data-share Consensus. Not counted in ClinVar's aggregate classification.

Northcott Neuroscience Laboratory, ANZAC Research Institute
Classification: Benign. Review status: no assertion criteria provided. Collection method: not provided. Allele origin: unknown. Not counted in ClinVar's aggregate classification.
Comment: CMT2
ClinVar note: Converted during submission from non-pathogenic to Benign.

Literature cited by the submitters: PubMed 32409511 (cited by Athena Diagnostics); PubMed 32397312 (cited by Athena Diagnostics); PubMed 29525178 (cited by Athena Diagnostics); PubMed 28717666 (cited by Athena Diagnostics); PubMed 32987860 (cited by Athena Diagnostics); PubMed 33414559 (cited by Athena Diagnostics); PubMed 28430856 (cited by Athena Diagnostics); PubMed 21190393 (cited by Athena Diagnostics); PubMed 23129421 (cited by Athena Diagnostics); PubMed 25802885 (cited by Athena Diagnostics); PubMed 25869998 (cited by Athena Diagnostics); PubMed 25382069 (cited by Athena Diagnostics); PubMed 22088787 (cited by Athena Diagnostics); PubMed 26213621 (cited by Athena Diagnostics); PubMed 21438761 (cited by Athena Diagnostics); PubMed 23447461 (cited by Athena Diagnostics); PubMed 27884173 (cited by Athena Diagnostics).

NM_015046.7(SETX):c.7640T>C (p.Ile2547Thr)

Gene: SETX (senataxin; minus strand). Cytogenetic location: 9q34.13.
Variant type: single nucleotide variant.
Coding change: c.7640T>C on transcript NM_015046.7 (MANE Select); coding-DNA position 7640, T replaced by C.
Protein change: p.Ile2547Thr; replaces isoleucine 2547 with threonine.
Molecular consequence: missense variant.
Genome position (GRCh38, 1-based): chr9:132,264,633, A>G on the plus strand (T>C on the coding strand, the complement: SETX is on the minus strand). VCF-style: chr9-132264633-A-G. GRCh37 (hg19) VCF-style: chr9-135140020-A-G.
Other names: c.7640T>C, p.Ile2547Thr (NM_001351527.2); c.7727T>C, p.Ile2576Thr (NM_001351528.2); short protein forms I2547T, I2576T.
Identifiers: ClinVar variation 155748 (VCV000155748.110), dbSNP rs151117904, ClinGen allele CA233108.
Genomic context (GRCh38, chr9:132,264,633, plus strand): 5'-CCAGGATGCTGGGGGCTCGAGGGTTGTGGATCCCAAAGGAATATTCCTCCTTTGACCTCA[A>G]TGCCCATCCTCTTCAGCAGTCGTGGGTCCTGAAGTTGGTCATGAACAGGAGGTCTTTCAG-3'
Protein context (NP_055861.3, residues 2537-2557): QDPRLLKRMG[Ile2547Thr]EVKGGIFLWD